The following is an entry in ClinVar:

ClinVar aggregate classification (germline): Conflicting classifications of pathogenicity. Review status: criteria provided, conflicting classifications (1 of 4 stars). 4 submissions from 4 submitters: Pathogenic (1); Uncertain significance (3). Last evaluated 2024-12-24.

Conditions:
Intellectual developmental disorder with autism and macrocephaly. Also called: CHD8-Related Neurodevelopmental Disorder with Overgrowth; Autism, susceptibility to, 18. Identifiers: Orphanet 642675, MedGen C3554373, MONDO:0014017, OMIM 615032.

Allele frequency attached by ClinVar (database versions not stated): gnomAD exomes 0.00001.
gnomAD v4.1: 10 of 1,613,902 alleles (0.00062%); highest among the groups gnomAD compares: South Asian, 0.0022%; no homozygotes.

Submissions (4):

Labcorp Genetics (formerly Invitae), Labcorp
Classification: Uncertain significance. Last evaluated: 2024-12-24. Review status: criteria provided, single submitter. Criteria: Invitae Variant Classification Sherloc (09022015). Collection method: clinical testing. Allele origin: germline.
Comment: This sequence change replaces arginine, which is basic and polar, with cysteine, which is neutral and slightly polar, at codon 1830 of the CHD8 protein (p.Arg1830Cys). This variant is not present in population databases (gnomAD no frequency). This missense change has been observed in individual(s) with CHD8-related conditions (PMID: 30631761). This variant is also known as c.4651C>T p.Arg1551Cys. ClinVar contains an entry for this variant (Variation ID: 2663913). Invitae Evidence Modeling of protein sequence and biophysical properties (such as structural, functional, and spatial information, amino acid conservation, physicochemical variation, residue mobility, and thermodynamic stability) has been performed for this missense variant. However, the output from this modeling did not meet the statistical confidence thresholds required to predict the impact of this variant on CHD8 protein function. In summary, the available evidence is currently insufficient to determine the role of this variant in disease. Therefore, it has been classified as a Variant of Uncertain Significance.

Blueprint Genetics
Classification: Uncertain significance. Last evaluated: 2024-05-07. Review status: criteria provided, single submitter. Criteria: ACMG Guidelines, 2015. Collection method: clinical testing. Allele origin: germline.

CeGaT Center for Human Genetics Tuebingen
Classification: Uncertain significance. Last evaluated: 2024-02-01. Review status: criteria provided, single submitter. Criteria: CeGaT Center For Human Genetics Tuebingen Variant Classification Criteria Version 2. Collection method: clinical testing. Allele origin: germline. Affected: yes. Observed: 1 variant allele.
Comment: CHD8: PM2, PP3, PS3:Supporting, BS2

Institute of Medical Genetics and Applied Genomics, University Hospital Tübingen
Classification: Pathogenic for Intellectual developmental disorder with autism and macrocephaly. Last evaluated: 2023-11-30. Review status: criteria provided, single submitter. Criteria: ACMG Guidelines, 2015. Collection method: clinical testing. Allele origin: germline. Inheritance: Autosomal dominant inheritance. Affected: yes.

Literature cited by the submitters: PubMed 30631761 (cited by Labcorp Genetics (formerly Invitae), Labcorp).

NM_001170629.2(CHD8):c.5488C>T (p.Arg1830Cys)

Genes: CHD8 (chromodomain helicase DNA binding protein 8; minus strand), SNORD8 (small nucleolar RNA, C/D box 8; minus strand), SNORD9 (small nucleolar RNA, C/D box 9; minus strand). Cytogenetic location: 14q11.2.
Variant type: single nucleotide variant.
Coding change: c.5488C>T on transcript NM_001170629.2 (MANE Select); coding-DNA position 5488, C replaced by T.
Protein change: p.Arg1830Cys; replaces arginine 1830 with cysteine.
Molecular consequence: missense variant.
Genome position (GRCh38, 1-based): chr14:21,394,388, G>A on the plus strand (C>T on the coding strand, the complement: CHD8 is on the minus strand). VCF-style: chr14-21394388-G-A. GRCh37 (hg19) VCF-style: chr14-21862547-G-A.
Other names: c.4651C>T, p.Arg1551Cys (NM_020920.4); short protein forms R1551C, R1830C.
Identifiers: ClinVar variation 2663913 (VCV002663913.26), dbSNP rs1471020927, ClinGen allele CA388883227.